The following is an entry in ClinVar:

ClinVar aggregate classification (germline): Pathogenic (1 of 4 stars; one submission).

Conditions:
Leber congenital amaurosis 4 (LCA4). Identifiers: MedGen C1858386, MONDO:0011458, OMIM 604393.

Submission:

Labcorp Genetics (formerly Invitae), Labcorp
Classification: Pathogenic for Leber congenital amaurosis 4. Last evaluated: 2023-02-28. Review status: criteria provided, single submitter. Criteria: Invitae Variant Classification Sherloc (09022015). Collection method: clinical testing. Allele origin: unknown.
Comment: For these reasons, this variant has been classified as Pathogenic. This variant disrupts a region of the AIPL1 protein in which other variant(s) (p.Cys89Arg) have been determined to be pathogenic (PMID: 20702822, 23737531, 27268253, 28973376; Invitae). This suggests that this is a clinically significant region of the protein, and that variants that disrupt it are likely to be disease-causing. This variant is a gross deletion of the genomic region encompassing exon(s) 2 of the AIPL1 gene. This variant would be expected to be in-frame, preserving the integrity of the reading frame. This variant has not been reported in the literature in individuals affected with AIPL1-related conditions.

Literature cited by the submitters: PubMed 20702822; PubMed 23737531; PubMed 27268253; PubMed 28973376.

NC_000017.10:g.(?_6337219)_(6337438_?)del

Gene: AIPL1 (AIP like 1 HSP90 co-chaperone; minus strand). Cytogenetic location: 17p13.2.
Variant type: Deletion.
Identifiers: ClinVar variation 3243056 (VCV003243056.1).